The following is an entry in ClinVar:

NM_001292063.2(OTOG):c.5178C>G (p.Gly1726=)

Gene: OTOG (otogelin; plus strand). Cytogenetic location: 11p15.1.
Variant type: single nucleotide variant.
Coding change: c.5178C>G on transcript NM_001292063.2 (MANE Select); coding-DNA position 5178, C replaced by G.
Protein change: p.Gly1726=; no amino-acid change (glycine 1726 retained).
Molecular consequence: synonymous variant.
Genome position (GRCh38, 1-based): chr11:17,610,478, C>G. VCF-style: chr11-17610478-C-G. GRCh37 (hg19) VCF-style: chr11-17632025-C-G.
Other names: c.5214C>G, p.Gly1738= (NM_001277269.2).
Identifiers: ClinVar variation 5038751 (VCV005038751.1).

ClinVar aggregate classification (germline): Likely benign (1 of 4 stars; one submission).

gnomAD v4.1: 47 of 1,550,464 alleles (0.003%); highest among the groups gnomAD compares: African/African-American, 0.04%; no homozygotes.

Submission:

CeGaT Center for Human Genetics Tuebingen
Classification: Likely benign. Last evaluated: 2026-08-01. Review status: criteria provided, single submitter. Criteria: CeGaT Center For Human Genetics Tuebingen Variant Classification Criteria Version 2. Collection method: clinical testing. Allele origin: germline. Affected: yes. Observed: 1 variant allele.
Comment: OTOG: BP4, BP7